The following is an entry in ClinVar:

NM_032776.3(JMJD1C):c.2233C>T (p.His745Tyr)

Gene: JMJD1C (jumonji domain containing 1C; minus strand). Cytogenetic location: 10q21.3.
Variant type: single nucleotide variant.
Coding change: c.2233C>T on transcript NM_032776.3 (MANE Select); coding-DNA position 2233, C replaced by T.
Protein change: p.His745Tyr; replaces histidine 745 with tyrosine.
Molecular consequence: missense variant. On other transcripts: non-coding transcript variant (1).
Genome position (GRCh38, 1-based): chr10:63,213,934, G>A on the plus strand (C>T on the coding strand, the complement: JMJD1C is on the minus strand). VCF-style: chr10-63213934-G-A. GRCh37 (hg19) VCF-style: chr10-64973694-G-A.
Other names: c.1687C>T, p.His563Tyr (NM_001282948.2, NM_001318154.2); c.1369C>T, p.His457Tyr (NM_001318153.2); c.2119C>T, p.His707Tyr (NM_001322252.2); c.1576C>T, p.His526Tyr (NM_001322254.2, NM_001322258.2); short protein forms H457Y, H526Y, H563Y, H707Y, H745Y.
Identifiers: ClinVar variation 1059516 (VCV001059516.7), dbSNP rs767833843, ClinGen allele CA5518666.
Genomic context (GRCh38, chr10:63,213,934, plus strand): 5'-GTAAATGGGGTGCAGGAGTTAAGGCAGGATGATGGGTACCTGGATTTAAACAGGTTCTAT[G>A]AGATGAGGAGTGAAGAGGAAAAGGATGCTGGCTTAGGAAAGGTGAAATATGATTAGCTCC-3'
Protein context (NP_116165.1, residues 735-755): QHPFPLHSSS[His745Tyr]RTCLNPGTHH

ClinVar aggregate classification (germline): Uncertain significance (1 of 4 stars; one submission).

Conditions:
Early Myoclonic Encephalopathy. Identifiers: MedGen C0270855.

Allele frequency attached by ClinVar (database versions not stated): gnomAD exomes below 0.00001 and 0.00002; ExAC 0.00001; gnomAD 0.00001; TOPMed 0.00001.
gnomAD v4.1: 9 of 1,614,032 alleles (0.00056%); highest among the groups gnomAD compares: Admixed American, 0.005%; 1 homozygote.

Submission:

Labcorp Genetics (formerly Invitae), Labcorp
Classification: Uncertain significance for Early Myoclonic Encephalopathy. Last evaluated: 2024-07-11. Review status: criteria provided, single submitter. Criteria: Invitae Variant Classification Sherloc (09022015). Collection method: clinical testing. Allele origin: germline.
Comment: This sequence change replaces histidine, which is basic and polar, with tyrosine, which is neutral and polar, at codon 745 of the JMJD1C protein (p.His745Tyr). This variant is present in population databases (rs767833843, gnomAD 0.009%). This variant has not been reported in the literature in individuals affected with JMJD1C-related conditions. ClinVar contains an entry for this variant (Variation ID: 1059516). Advanced modeling of protein sequence and biophysical properties (such as structural, functional, and spatial information, amino acid conservation, physicochemical variation, residue mobility, and thermodynamic stability) performed at Invitae indicates that this missense variant is expected to disrupt JMJD1C protein function with a positive predictive value of 80%. In summary, the available evidence is currently insufficient to determine the role of this variant in disease. Therefore, it has been classified as a Variant of Uncertain Significance.